The following is an entry in ClinVar:

NM_003072.5(SMARCA4):c.3873+6A>C

Gene: SMARCA4 (SWI/SNF related BAF chromatin remodeling complex subunit ATPase 4; plus strand). Cytogenetic location: 19p13.2.
Variant type: single nucleotide variant.
Coding change: c.3873+6A>C on transcript NM_003072.5 (MANE Select); 6 bases into the intron after coding-DNA position 3873, A replaced by C.
Molecular consequence: intron variant.
Genome position (GRCh38, 1-based): chr19:11,033,871, A>C. VCF-style: chr19-11033871-A-C. GRCh37 (hg19) VCF-style: chr19-11144547-A-C.
Other names: c.3873+6A>C (NM_001128844.3, NM_001128849.3, NM_001387283.1); c.3775-252A>C (NM_001128847.4, NM_001374457.1, NM_001128845.2 and 2 more transcripts).
Identifiers: ClinVar variation 2146420 (VCV002146420.4), dbSNP rs2146668854, ClinGen allele CA2580096333.
Genomic context (GRCh38, chr19:11,033,871, plus strand): 5'-CACTGCCCCTCCGCCAGCGGGCGTCAACCCCGACTTGGAGGAGCCACCTCTAAAGGTGAG[A>C]GGGGTAGTTCAGTCTCCATGCCCATTCAATCCTCGGCTTCTCGGCTGAGACGGCCAGCAA-3'

ClinVar aggregate classification (germline): Uncertain significance (1 of 4 stars; one submission).

Conditions:
Rhabdoid tumor predisposition syndrome 2 (RTPS2). Identifiers: Orphanet 231108, Orphanet 69077, MedGen C2750074, MONDO:0013224, OMIM 613325.

Submission:

Labcorp Genetics (formerly Invitae), Labcorp
Classification: Uncertain significance for Rhabdoid tumor predisposition syndrome 2. Last evaluated: 2025-02-19. Review status: criteria provided, single submitter. Criteria: Invitae Variant Classification Sherloc (09022015). Collection method: clinical testing. Allele origin: germline.
Comment: This sequence change falls in intron 27 of the SMARCA4 gene. It does not directly change the encoded amino acid sequence of the SMARCA4 protein. It affects a nucleotide within the consensus splice site. This variant is not present in population databases (gnomAD no frequency). This variant has not been reported in the literature in individuals affected with SMARCA4-related conditions. ClinVar contains an entry for this variant (Variation ID: 2146420). Variants that disrupt the consensus splice site are a relatively common cause of aberrant splicing (PMID: 17576681, 9536098). Algorithms developed to predict the effect of sequence changes on RNA splicing suggest that this variant is not likely to affect RNA splicing. In summary, the available evidence is currently insufficient to determine the role of this variant in disease. Therefore, it has been classified as a Variant of Uncertain Significance.

Literature cited by the submitters: PubMed 17576681; PubMed 9536098.